The following is an entry in ClinVar:

ClinVar aggregate classification (germline): Uncertain significance (1 of 4 stars; one submission).

gnomAD v4.1: 112 of 1,609,040 alleles (0.007%); highest among the groups gnomAD compares: Non-Finnish European, 0.0091%; no homozygotes.

Submission:

Labcorp Genetics (formerly Invitae), Labcorp
Classification: Uncertain significance. Last evaluated: 2026-01-14. Review status: criteria provided, single submitter. Criteria: Invitae Variant Classification Sherloc (09022015). Collection method: clinical testing. Allele origin: germline.
Comment: This sequence change replaces arginine, which is basic and polar, with glutamine, which is neutral and polar, at codon 926 of the DHX37 protein (p.Arg926Gln). This variant is present in population databases (rs770444887, gnomAD 0.01%). This variant has not been reported in the literature in individuals affected with DHX37-related conditions. Invitae Evidence Modeling of protein sequence and biophysical properties (such as structural, functional, and spatial information, amino acid conservation, physicochemical variation, residue mobility, and thermodynamic stability) indicates that this missense variant is not expected to disrupt DHX37 protein function with a negative predictive value of 80%. In summary, the available evidence is currently insufficient to determine the role of this variant in disease. Therefore, it has been classified as a Variant of Uncertain Significance.

NM_032656.4(DHX37):c.2777G>A (p.Arg926Gln)

Gene: DHX37 (DEAH-box helicase 37; minus strand). Cytogenetic location: 12q24.31.
Variant type: single nucleotide variant.
Coding change: c.2777G>A on transcript NM_032656.4 (MANE Select); coding-DNA position 2777, G replaced by A.
Protein change: p.Arg926Gln; replaces arginine 926 with glutamine.
Molecular consequence: missense variant.
Genome position (GRCh38, 1-based): chr12:124,952,489, C>T on the plus strand (G>A on the coding strand, the complement: DHX37 is on the minus strand). VCF-style: chr12-124952489-C-T. GRCh37 (hg19) VCF-style: chr12-125437035-C-T.
Other names: short protein forms R926Q.
Identifiers: ClinVar variation 4754221 (VCV004754221.1).